The following is an entry in ClinVar:

ClinVar aggregate classification (germline): Benign/Likely benign. Review status: criteria provided, multiple submitters, no conflicts (2 of 4 stars). 11 submissions from 9 submitters: Benign (10); Likely benign (1). Last evaluated 2026-02-04.

Conditions:
Xeroderma pigmentosum, group F (XPF). Also called: XERODERMA PIGMENTOSUM, COMPLEMENTATION GROUP F; ERCC4-Related Xeroderma Pigmentosum; XERODERMA PIGMENTOSUM, TYPE F; Xeroderma pigmentosum, type 6; XERODERMA PIGMENTOSUM VI; XP, GROUP F. Identifiers: MedGen C0268140, MONDO:0010215, OMIM 278760.
Fanconi anemia complementation group Q. Identifiers: Orphanet 84, MedGen C3808988, MONDO:0014108, OMIM 615272.
Cockayne syndrome. Identifiers: Orphanet 191, MedGen C0009207, MONDO:0016006.
XFE progeroid syndrome (XFEPS). Also called: XPF-ERCC1 PROGEROID SYNDROME. Identifiers: MedGen C1970416, MONDO:0012590, OMIM 610965.

Allele frequency attached by ClinVar (database versions not stated): 1000 Genomes Project 30x 0.21143; 1000 Genomes Project 0.22025; TOPMed 0.22593; gnomAD 0.22979 and 0.23104; ESP Exome Variant Server 0.23136; gnomAD exomes 0.25033; ExAC 0.33295.
gnomAD v4.1: 411,030 of 1,554,340 alleles (26%); highest among the groups gnomAD compares: Middle Eastern, 33%; 55,749 homozygotes.

Submissions (11):

Labcorp Genetics (formerly Invitae), Labcorp
Classification: Benign for Fanconi anemia complementation group Q; Xeroderma pigmentosum, group F; Cockayne syndrome. Last evaluated: 2026-02-04. Review status: criteria provided, single submitter. Criteria: Invitae Variant Classification Sherloc (09022015). Collection method: clinical testing. Allele origin: germline.

ARUP Laboratories, Molecular Genetics and Genomics, ARUP Laboratories
Classification: Benign. Last evaluated: 2025-07-21. Review status: criteria provided, single submitter. Criteria: ARUP Molecular Germline Variant Investigation Process 2024. Collection method: clinical testing. Allele origin: germline.

Blueprint Genetics
Classification: Likely benign. Last evaluated: 2024-11-27. Review status: criteria provided, single submitter. Criteria: ACMG Guidelines, 2015. Collection method: clinical testing. Allele origin: germline.

KCCC/NGS Laboratory, Kuwait Cancer Control Center
Classification: Benign for Xeroderma pigmentosum, group F. Last evaluated: 2023-07-07. Review status: criteria provided, single submitter. Criteria: ACMG Guidelines, 2015. Collection method: clinical testing. Allele origin: germline. Affected: yes.

Genome-Nilou Lab
Classification: Benign for Fanconi anemia complementation group Q. Last evaluated: 2021-07-30. Review status: criteria provided, single submitter. Criteria: ACMG Guidelines, 2015. Collection method: clinical testing. Allele origin: germline. Affected: no.

Genome-Nilou Lab
Classification: Benign for Xeroderma pigmentosum, group F. Last evaluated: 2021-07-30. Review status: criteria provided, single submitter. Criteria: ACMG Guidelines, 2015. Collection method: clinical testing. Allele origin: germline. Affected: no.

Genome-Nilou Lab
Classification: Benign for XFE progeroid syndrome. Last evaluated: 2021-07-30. Review status: criteria provided, single submitter. Criteria: ACMG Guidelines, 2015. Collection method: clinical testing. Allele origin: germline. Affected: no.

GeneDx
Classification: Benign. Last evaluated: 2019-01-10. Review status: criteria provided, single submitter. Criteria: GeneDx Variant Classification Process June 2021. Collection method: clinical testing. Allele origin: germline. Affected: yes.

Illumina Laboratory Services, Illumina
Classification: Benign for Xeroderma pigmentosum, group F. Last evaluated: 2018-01-12. Review status: criteria provided, single submitter. Criteria: ICSL Variant Classification Criteria 13 December 2019. Collection method: clinical testing. Allele origin: germline.
Comment: This variant was observed in the ICSL laboratory as part of a predisposition screen in an ostensibly healthy population. It had not been previously curated by ICSL or reported in the Human Gene Mutation Database (HGMD: prior to June 1st, 2018), and was therefore a candidate for classification through an automated scoring system. Utilizing variant allele frequency, disease prevalence and penetrance estimates, and inheritance mode, an automated score was calculated to assess if this variant is too frequent to cause the disease. Based on the score and internal cut-off values, a variant classified as benign is not then subjected to further curation. The score for this variant resulted in a classification of benign for this disease.

Breakthrough Genomics
Classification: Benign. Review status: criteria provided, single submitter. Criteria: ACMG Guidelines, 2015. Collection method: not provided. Allele origin: germline. Inheritance: Autosomal recessive inheritance. Affected: yes.

PreventionGenetics, part of Exact Sciences
Classification: Benign. Review status: criteria provided, single submitter. Criteria: ACMG Guidelines, 2015. Collection method: clinical testing. Allele origin: germline.

NM_005236.3(ERCC4):c.207+11G>A

Gene: ERCC4 (ERCC excision repair 4, endonuclease catalytic subunit; plus strand). Cytogenetic location: 16p13.12.
Variant type: single nucleotide variant.
Coding change: c.207+11G>A on transcript NM_005236.3 (MANE Select); 11 bases into the intron after coding-DNA position 207, G replaced by A.
Molecular consequence: intron variant.
Genome position (GRCh38, 1-based): chr16:13,920,383, G>A. VCF-style: chr16-13920383-G-A. GRCh37 (hg19) VCF-style: chr16-14014240-G-A.
Identifiers: ClinVar variation 259683 (VCV000259683.22), dbSNP rs762521, ClinGen allele CA7910107.